The following is an entry in ClinVar:

NM_000388.4(CASR):c.1837G>C (p.Gly613Arg)

Gene: CASR (calcium sensing receptor; plus strand). Cytogenetic location: 3q21.1.
Variant type: single nucleotide variant.
Coding change: c.1837G>C on transcript NM_000388.4 (MANE Select); coding-DNA position 1837, G replaced by C.
Protein change: p.Gly613Arg; replaces glycine 613 with arginine.
Molecular consequence: missense variant.
Genome position (GRCh38, 1-based): chr3:122,283,791, G>C. VCF-style: chr3-122283791-G-C. GRCh37 (hg19) VCF-style: chr3-122002638-G-C.
Other names: c.1867G>C, p.Gly623Arg (NM_001178065.2); short protein forms G613R, G623R.
Identifiers: ClinVar variation 410320 (VCV000410320.10), dbSNP rs1060502842, ClinGen allele CA16611196.

ClinVar aggregate classification (germline): Uncertain significance (1 of 4 stars; one submission).

Conditions:
Autosomal dominant hypocalcemia 1 (HYPOC1). Also called: HYPOCALCEMIA, FAMILIAL. Identifiers: MedGen C3715128, MONDO:0011013, OMIM 601198.
Familial hypocalciuric hypercalcemia (FHH). Also called: Familial benign hypercalcemia. Identifiers: Orphanet 405, MedGen C1809471, MONDO:0018458.

Submission:

Labcorp Genetics (formerly Invitae), Labcorp
Classification: Uncertain significance for Familial hypocalciuric hypercalcemia; Autosomal dominant hypocalcemia 1. Last evaluated: 2016-09-07. Review status: criteria provided, single submitter. Criteria: Invitae Variant Classification Sherloc (09022015). Collection method: clinical testing. Allele origin: germline.
Comment: This variant is not present in population databases (ExAC no frequency). In summary, this variant is a rare missense change with uncertain impact on protein function. While it is absent from the population and reported in an affected individual, the available evidence is currently insufficient to determine its role in disease. Therefore, it has been classified as a Variant of Uncertain Significance. Algorithms developed to predict the effect of missense changes on protein structure and function (SIFT, PolyPhen-2, Align-GVGD) all suggest that this variant is likely to be disruptive, but these predictions have not been confirmed by published functional studies. This variant has been reported in the literature in an individual affected with hypocalciuric hypercalcemia as a de novo (i.e. not present in the parents) variant (PMID: 22142470). This sequence change replaces glycine with arginine at codon 613 of the CASR protein (p.Gly613Arg). The glycine residue is highly conserved and there is a moderate physicochemical difference between glycine and arginine.

Literature cited by the submitters: PubMed 22142470.